The following is an entry in ClinVar:

ClinVar aggregate classification (germline): Benign/Likely benign. Review status: criteria provided, multiple submitters, no conflicts (2 of 4 stars). 2 submissions from 2 submitters: Benign (1); Likely benign (1). Last evaluated 2024-11-01.

Allele frequency attached by ClinVar (database versions not stated): gnomAD exomes 0.00005; ExAC 0.00024; 1000 Genomes Project 30x 0.00031; 1000 Genomes Project 0.00040; gnomAD 0.00080; TOPMed 0.00088; ESP Exome Variant Server 0.00100.
gnomAD v4.1: 210 of 1,611,852 alleles (0.013%); highest among the groups gnomAD compares: African/African-American, 0.23%; no homozygotes.

Submissions (2):

CeGaT Center for Human Genetics Tuebingen
Classification: Likely benign. Last evaluated: 2024-11-01. Review status: criteria provided, single submitter. Criteria: CeGaT Center For Human Genetics Tuebingen Variant Classification Criteria Version 2. Collection method: clinical testing. Allele origin: germline. Affected: yes. Observed: 2 variant alleles.
Comment: VPS13C: BP4, BP7

Labcorp Genetics (formerly Invitae), Labcorp
Classification: Benign. Last evaluated: 2024-06-17. Review status: criteria provided, single submitter. Criteria: Invitae Variant Classification Sherloc (09022015). Collection method: clinical testing. Allele origin: germline.

NM_020821.3(VPS13C):c.7260C>T (p.Asp2420=)

Gene: VPS13C (vacuolar protein sorting 13 homolog C; minus strand). Cytogenetic location: 15q22.2.
Variant type: single nucleotide variant.
Coding change: c.7260C>T on transcript NM_020821.3 (MANE Select); coding-DNA position 7260, C replaced by T.
Protein change: p.Asp2420=; no amino-acid change (aspartic acid 2420 retained).
Molecular consequence: synonymous variant.
Genome position (GRCh38, 1-based): chr15:61,920,284, G>A on the plus strand (C>T on the coding strand, the complement: VPS13C is on the minus strand). VCF-style: chr15-61920284-G-A. GRCh37 (hg19) VCF-style: chr15-62212483-G-A.
Other names: c.7260C>T, p.Asp2420= (NM_001018088.3); c.7131C>T, p.Asp2377= (NM_017684.5, NM_018080.4).
Identifiers: ClinVar variation 2078953 (VCV002078953.26), dbSNP rs114617267, ClinGen allele CA7595309.